The following is an entry in ClinVar:

ClinVar aggregate classification (germline): Uncertain significance (0 of 4 stars; one submission).

Submission:

Richard Lifton Laboratory, Yale University School of Medicine
Classification: Uncertain significance. Review status: no assertion criteria provided. Collection method: not provided. Allele origin: somatic.
Comment: GNA11
ClinVar note: Converted during submission from unknown to Uncertain significance.

NM_002067.5(GNA11):c.943G>A (p.Asp315Asn)

Gene: GNA11 (G protein subunit alpha 11; plus strand). Cytogenetic location: 19p13.3.
Variant type: single nucleotide variant.
Coding change: c.943G>A on transcript NM_002067.5 (MANE Select); coding-DNA position 943, G replaced by A.
Protein change: p.Asp315Asn; replaces aspartic acid 315 with asparagine.
Molecular consequence: missense variant.
Genome position (GRCh38, 1-based): chr19:3,121,042, G>A. VCF-style: chr19-3121042-G-A. GRCh37 (hg19) VCF-style: chr19-3121040-G-A.
Other names: short protein forms D315N.
Identifiers: ClinVar variation 91939 (VCV000091939.2), dbSNP rs386352309, ClinGen allele CA232204.